The following is an entry in ClinVar:

NM_001378964.1(CDON):c.3258T>A (p.His1086Gln)

Gene: CDON (cell adhesion associated, oncogene regulated; minus strand). Cytogenetic location: 11q24.2.
Variant type: single nucleotide variant.
Coding change: c.3258T>A on transcript NM_001378964.1 (MANE Select); coding-DNA position 3258, T replaced by A.
Protein change: p.His1086Gln; replaces histidine 1086 with glutamine.
Molecular consequence: missense variant.
Genome position (GRCh38, 1-based): chr11:125,981,067, A>T on the plus strand (T>A on the coding strand, the complement: CDON is on the minus strand). VCF-style: chr11-125981067-A-T. GRCh37 (hg19) VCF-style: chr11-125850962-A-T.
Other names: c.3258T>A, p.His1086Gln (NM_001243597.3, NM_016952.6); short protein forms H1086Q.
Identifiers: ClinVar variation 2153581 (VCV002153581.6), dbSNP rs141970313, ClinGen allele CA6351474.
Genomic context (GRCh38, chr11:125,981,067, plus strand): 5'-CTGAGGGACAGAGGGGCTTTTATTTATAGTTAGGTCTCTTACATTCACTAGATGATGAGG[A>T]TGTTCAAAATCCACGTGTGTCCTGGTTAGAGAGTTGCTGTGCCCGGAGTAAAGCCCTCCA-3'
Protein context (NP_001365893.1, residues 1076-1096): SLTRTHVDFE[His1086Gln]PHHLVNGGGM

ClinVar aggregate classification (germline): Conflicting classifications of pathogenicity. Review status: criteria provided, conflicting classifications (1 of 4 stars). 3 submissions from 3 submitters: Uncertain significance (1); Likely benign (2). Last evaluated 2025-05-17.

Conditions:
Inborn genetic diseases. Identifiers: MedGen C0950123, MeSH D030342.
Holoprosencephaly 11 (HPE11). Identifiers: Orphanet 2162, MedGen C3280215, MONDO:0013642, OMIM 614226.
CDON-related disorder. Also called: CDON-related condition.

Allele frequency attached by ClinVar (database versions not stated): ExAC 0.00004; gnomAD 0.00021; ESP Exome Variant Server 0.00023; TOPMed 0.00026.

Submissions (3):

PreventionGenetics, part of Exact Sciences
Classification: Likely benign for CDON-related condition. Last evaluated: 2025-05-17. Review status: criteria provided, single submitter. Criteria: ACMG Guidelines, 2015. Collection method: clinical testing. Allele origin: germline.
Comment: This variant is classified as likely benign based on ACMG/AMP sequence variant interpretation guidelines (Richards et al. 2015 PMID: 25741868, with internal and published modifications).

Labcorp Genetics (formerly Invitae), Labcorp
Classification: Uncertain significance for Holoprosencephaly 11. Last evaluated: 2025-04-07. Review status: criteria provided, single submitter. Criteria: Invitae Variant Classification Sherloc (09022015). Collection method: clinical testing. Allele origin: germline.
Comment: This sequence change replaces histidine, which is basic and polar, with glutamine, which is neutral and polar, at codon 1086 of the CDON protein (p.His1086Gln). This variant is present in population databases (rs141970313, gnomAD 0.05%). This variant has not been reported in the literature in individuals affected with CDON-related conditions. ClinVar contains an entry for this variant (Variation ID: 2153581). Invitae Evidence Modeling of protein sequence and biophysical properties (such as structural, functional, and spatial information, amino acid conservation, physicochemical variation, residue mobility, and thermodynamic stability) indicates that this missense variant is not expected to disrupt CDON protein function with a negative predictive value of 80%. In summary, the available evidence is currently insufficient to determine the role of this variant in disease. Therefore, it has been classified as a Variant of Uncertain Significance.

Ambry Genetics
Classification: Likely benign for Inborn genetic diseases. Last evaluated: 2022-01-05. Review status: criteria provided, single submitter. Criteria: Ambry Variant Classification Scheme 2023. Collection method: clinical testing. Allele origin: germline.